The following is an entry in ClinVar:

ClinVar aggregate classification (germline): Uncertain significance (1 of 4 stars; one submission).

Submission:

ARUP Laboratories, Molecular Genetics and Genomics, ARUP Laboratories
Classification: Uncertain significance. Last evaluated: 2022-10-21. Review status: criteria provided, single submitter. Criteria: ARUP Molecular Germline Variant Investigation Process 2021. Collection method: clinical testing. Allele origin: germline.
Comment: The TTN c.94505T>A; p.Met31502Lys variant is rare in the general population (<0.2% allele frequency in the Genome Aggregation Database) and has not been reported in the medical literature in association with dilated cardiomyopathy (DCM) or other TTN-related disease. The clinical relevance of rare missense variants in this gene, which are identified on average once per individual sequenced in affected populations (Herman 2012), is not well understood. Yet, evidence suggests that the vast majority of such missense variants do not contribute to the clinical outcome of DCM (Begay 2015). Thus, the clinical significance of the p.Met31502Lys variant cannot be determined with certainty.

NM_001267550.2(TTN):c.94505T>A (p.Met31502Lys)

Genes: TTN (titin; minus strand), TTN-AS1 (TTN antisense RNA 1; plus strand). Cytogenetic location: 2q31.2.
Variant type: single nucleotide variant.
Coding change: c.94505T>A on transcript NM_001267550.2 (MANE Select); coding-DNA position 94505, T replaced by A.
Protein change: p.Met31502Lys; replaces methionine 31502 with lysine.
Molecular consequence: missense variant.
Genome position (GRCh38, 1-based): chr2:178,547,020, A>T on the plus strand (T>A on the coding strand, the complement: TTN is on the minus strand). VCF-style: chr2-178547020-A-T. GRCh37 (hg19) VCF-style: chr2-179411747-A-T.
Other names: c.89582T>A, p.Met29861Lys (NM_001256850.1); c.67310T>A, p.Met22437Lys (NM_003319.4); c.86801T>A, p.Met28934Lys (NM_133378.4); c.67685T>A, p.Met22562Lys (NM_133432.3); c.67886T>A, p.Met22629Lys (NM_133437.4); short protein forms M22437K, M22562K, M22629K, M28934K, M29861K, M31502K.
Identifiers: ClinVar variation 2428693 (VCV002428693.3), dbSNP rs2469078179, ClinGen allele CA349473280.
Genomic context (GRCh38, chr2:178,547,020, plus strand): 5'-TCAGTAATAATAAACAAATATGCCCTTAAATTGTGATACATACCAACTGGATTTTGAGCC[A>T]TTATAGGTCTTGAAGCTTCGCTGGCCTTGCTAACACCTGCAGCATTGAGTGCATAAGTTC-3'
Protein context (NP_001254479.2, residues 31492-31512): SKASEASRPI[Met31502Lys]AQNPVDAPGR